The following is an entry in ClinVar:

ClinVar aggregate classification (germline): Uncertain significance. Review status: criteria provided, multiple submitters, no conflicts (2 of 4 stars). 3 submissions from 3 submitters: Uncertain significance (3). Last evaluated 2026-05-21.

Conditions:
Inborn genetic diseases. Identifiers: MedGen C0950123, MeSH D030342.
DCTN1-related disorder. Also called: DCTN1-related condition.
Neuronopathy, distal hereditary motor, type 7B. Also called: Distal Hereditary Motor Neuronopathy Type 7B (dHMN7B); HMN VIIB; LOWER MOTOR NEURON DISEASE, DYNACTIN TYPE; NEURONOPATHY, DISTAL HEREDITARY MOTOR, AUTOSOMAL DOMINANT 14; NEURONOPATHY, DISTAL HEREDITARY MOTOR, HARDING TYPE VIIB; NEUROPATHY, DISTAL HEREDITARY MOTOR, HARDING TYPE VIIB. Identifiers: Orphanet 139589, MedGen C1843315, MONDO:0011879, OMIM 607641.
Perry syndrome. Also called: PARKINSONISM WITH ALVEOLAR HYPOVENTILATION AND MENTAL DEPRESSION. Identifiers: Orphanet 178509, MedGen C1868594, MONDO:0008201, OMIM 168605.
Amyotrophic lateral sclerosis type 1 (ALS1). Also called: AMYOTROPHIC LATERAL SCLEROSIS 1, FAMILIAL. Identifiers: Orphanet 803, MedGen C1862939, MONDO:0007103, OMIM 105400.

Allele frequency attached by ClinVar (database versions not stated): gnomAD exomes 0.00001 and 0.00002; ExAC 0.00003; ESP Exome Variant Server 0.00008.
gnomAD v4.1: 21 of 1,613,654 alleles (0.0013%); highest among the groups gnomAD compares: Middle Eastern, 0.017%; no homozygotes.

Submissions (3):

PreventionGenetics, part of Exact Sciences
Classification: Uncertain significance for DCTN1-related condition. Last evaluated: 2026-05-21. Review status: criteria provided, single submitter. Criteria: ACMG Guidelines, 2015. Collection method: clinical testing. Allele origin: germline.
Comment: The DCTN1 c.3497C>T variant is predicted to result in the amino acid substitution p.Thr1166Met. To our knowledge, this variant has not been reported in the literature. This variant is reported in 0.011% of alleles in individuals of East Asian descent in gnomAD. At this time, the clinical significance of this variant is uncertain due to the absence of conclusive functional and genetic evidence.

Labcorp Genetics (formerly Invitae), Labcorp
Classification: Uncertain significance for Amyotrophic lateral sclerosis type 1; Neuronopathy, distal hereditary motor, type 7B; Perry syndrome. Last evaluated: 2024-05-07. Review status: criteria provided, single submitter. Criteria: Invitae Variant Classification Sherloc (09022015). Collection method: clinical testing. Allele origin: germline.
Comment: This sequence change replaces threonine, which is neutral and polar, with methionine, which is neutral and non-polar, at codon 1166 of the DCTN1 protein (p.Thr1166Met). This variant is present in population databases (rs376549770, gnomAD 0.01%). This variant has not been reported in the literature in individuals affected with DCTN1-related conditions. ClinVar contains an entry for this variant (Variation ID: 1420717). Advanced modeling of protein sequence and biophysical properties (such as structural, functional, and spatial information, amino acid conservation, physicochemical variation, residue mobility, and thermodynamic stability) performed at Invitae indicates that this missense variant is not expected to disrupt DCTN1 protein function with a negative predictive value of 80%. In summary, the available evidence is currently insufficient to determine the role of this variant in disease. Therefore, it has been classified as a Variant of Uncertain Significance.

Ambry Genetics
Classification: Uncertain significance for Inborn genetic diseases. Last evaluated: 2019-09-26. Review status: criteria provided, single submitter. Criteria: Ambry Variant Classification Scheme 2023. Collection method: clinical testing. Allele origin: germline.
Comment: The p.T1166M variant (also known as c.3497C>T), located in coding exon 29 of the DCTN1 gene, results from a C to T substitution at nucleotide position 3497. The threonine at codon 1166 is replaced by methionine, an amino acid with similar properties. This amino acid position is highly conserved through mammals but not in all available vertebrate species. In addition, this alteration is predicted to be tolerated by in silico analysis. Since supporting evidence is limited at this time, the clinical significance of this alteration remains unclear.

NM_004082.5(DCTN1):c.3497C>T (p.Thr1166Met)

Gene: DCTN1 (dynactin subunit 1; minus strand). Cytogenetic location: 2p13.1.
Variant type: single nucleotide variant.
Coding change: c.3497C>T on transcript NM_004082.5 (MANE Select); coding-DNA position 3497, C replaced by T.
Protein change: p.Thr1166Met; replaces threonine 1166 with methionine.
Molecular consequence: missense variant. On other transcripts: non-coding transcript variant (1).
Genome position (GRCh38, 1-based): chr2:74,363,026, G>A on the plus strand (C>T on the coding strand, the complement: DCTN1 is on the minus strand). VCF-style: chr2-74363026-G-A. GRCh37 (hg19) VCF-style: chr2-74590153-G-A.
Other names: c.3422C>T, p.Thr1141Met (NM_001135040.3); c.3080C>T, p.Thr1027Met (NM_001135041.3); c.3371C>T, p.Thr1124Met (NM_001190836.2); c.3476C>T, p.Thr1159Met (NM_001190837.2); c.3446C>T, p.Thr1149Met (NM_001378991.1); c.3428C>T, p.Thr1143Met (NM_001378992.1); c.3095C>T, p.Thr1032Met (NM_023019.4); short protein forms T1124M, T1143M, T1032M, T1159M, T1027M, T1141M, T1149M, T1166M.
Identifiers: ClinVar variation 1420717 (VCV001420717.11), dbSNP rs376549770, ClinGen allele CA1721479.